The following is an entry in ClinVar:

ClinVar aggregate classification (germline): Uncertain significance. Review status: criteria provided, multiple submitters, no conflicts (2 of 4 stars). 2 submissions from 2 submitters: Uncertain significance (2). Last evaluated 2024-10-24.

Conditions:
Malignant tumor of urinary bladder. Also called: Bladder cancer; Urinary Bladder Neoplasms; Urinary bladder cancer. Identifiers: MedGen C0005684, MONDO:0001187, OMIM 109800.
Retinoblastoma (RB1). Also called: RETINOBLASTOMA, SOMATIC. Identifiers: Orphanet 790, MedGen C0035335, MeSH D012175, MONDO:0008380, OMIM 180200, HP:0009919. Disease mechanism: loss of function. Inheritance: Both sporadic and heritable forms are tested..

Submissions (2):

Labcorp Genetics (formerly Invitae), Labcorp
Classification: Uncertain significance for Retinoblastoma. Last evaluated: 2024-10-24. Review status: criteria provided, single submitter. Criteria: Invitae Variant Classification Sherloc (09022015). Collection method: clinical testing. Allele origin: germline.
Comment: This sequence change falls in intron 10 of the RB1 gene. It does not directly change the encoded amino acid sequence of the RB1 protein. This variant is not present in population databases (gnomAD no frequency). This variant has not been reported in the literature in individuals affected with RB1-related conditions. Algorithms developed to predict the effect of sequence changes on RNA splicing suggest that this variant may disrupt the consensus splice site. In summary, the available evidence is currently insufficient to determine the role of this variant in disease. Therefore, it has been classified as a Variant of Uncertain Significance.

Baylor Genetics
Classification: Uncertain significance for Malignant tumor of urinary bladder. Last evaluated: 2023-05-04. Review status: criteria provided, single submitter. Criteria: ACMG Guidelines, 2015. Collection method: clinical testing. Allele origin: unknown.

NM_000321.3(RB1):c.1050-11T>G

Gene: RB1 (RB transcriptional corepressor 1; plus strand). Cytogenetic location: 13q14.2.
Variant type: single nucleotide variant.
Coding change: c.1050-11T>G on transcript NM_000321.3 (MANE Select); 11 bases into the intron before coding-DNA position 1050, T replaced by G.
Molecular consequence: intron variant.
Genome position (GRCh38, 1-based): chr13:48,368,516, T>G. VCF-style: chr13-48368516-T-G. GRCh37 (hg19) VCF-style: chr13-48942652-T-G.
Other names: c.1050-11T>G (NM_001407165.1, NM_001407166.1).
Identifiers: ClinVar variation 2678294 (VCV002678294.4), dbSNP rs201410490, ClinGen allele CA2695199740.